The following is an entry in ClinVar:

NM_001379500.1(COL18A1):c.1452G>T (p.Arg484=)

Gene: COL18A1 (collagen type XVIII alpha 1 chain; plus strand). Cytogenetic location: 21q22.3.
Variant type: single nucleotide variant.
Coding change: c.1452G>T on transcript NM_001379500.1 (MANE Select); coding-DNA position 1452, G replaced by T.
Protein change: p.Arg484=; no amino-acid change (arginine 484 retained).
Molecular consequence: synonymous variant.
Genome position (GRCh38, 1-based): chr21:45,480,520, G>T. VCF-style: chr21-45480520-G-T. GRCh37 (hg19) VCF-style: chr21-46900434-G-T.
Other names: NM_130445.2:c.1452G>T; c.1992G>T (NM_030582.3); c.1992G>T, p.Arg664= (NM_030582.4); c.2697G>T, p.Arg899= (NM_130444.3).
Identifiers: ClinVar variation 1351494 (VCV001351494.8), dbSNP rs373106775, ClinGen allele CA10066323.

ClinVar aggregate classification (germline): Uncertain significance. Review status: criteria provided, multiple submitters, no conflicts (2 of 4 stars). 3 submissions from 3 submitters: Uncertain significance (3). Last evaluated 2026-04-22.

Conditions:
COL18A1-related disorder. Also called: COL18A1-related condition; COL18A1-related disorders.
Inborn genetic diseases. Identifiers: MedGen C0950123, MeSH D030342.

Allele frequency attached by ClinVar (database versions not stated): ExAC 0.00002; gnomAD exomes 0.00002; ESP Exome Variant Server 0.00008; 1000 Genomes Project 30x 0.00016; 1000 Genomes Project 0.00020; gnomAD 0.00020 and 0.00021; TOPMed 0.00048.
gnomAD v4.1: 67 of 1,614,140 alleles (0.0042%); highest among the groups gnomAD compares: Admixed American, 0.088%; no homozygotes.

Submissions (3):

PreventionGenetics, part of Exact Sciences
Classification: Uncertain significance for COL18A1-related condition. Last evaluated: 2026-04-22. Review status: criteria provided, single submitter. Criteria: ACMG Guidelines, 2015. Collection method: clinical testing. Allele origin: germline.

Labcorp Genetics (formerly Invitae), Labcorp
Classification: Uncertain significance. Last evaluated: 2025-11-27. Review status: criteria provided, single submitter. Criteria: Invitae Variant Classification Sherloc (09022015). Collection method: clinical testing. Allele origin: germline.
Comment: This sequence change affects codon 484 of the COL18A1 mRNA. It is a 'silent' change, meaning that it does not change the encoded amino acid sequence of the COL18A1 protein. This variant also falls at the last nucleotide of exon 12, which is part of the consensus splice site for this exon. This variant is present in population databases (rs373106775, gnomAD 0.01%). This variant has not been reported in the literature in individuals affected with COL18A1-related conditions. ClinVar contains an entry for this variant (Variation ID: 1351494). Variants that disrupt the consensus splice site are a relatively common cause of aberrant splicing (PMID: 17576681, 9536098). Algorithms developed to predict the effect of sequence changes on RNA splicing suggest that this variant may disrupt the consensus splice site. In summary, the available evidence is currently insufficient to determine the role of this variant in disease. Therefore, it has been classified as a Variant of Uncertain Significance.

Ambry Genetics
Classification: Uncertain significance for Inborn genetic diseases. Last evaluated: 2021-08-02. Review status: criteria provided, single submitter. Criteria: Ambry Variant Classification Scheme 2023. Collection method: clinical testing. Allele origin: germline.
Comment: The c.1452G>T (p.R484R) alteration is located in exon 12 (coding exon 12) of the COL18A1 gene. This alteration consists of a G to T substitution at nucleotide position 1452. This nucleotide substitution does not change the amino acid at codon 484. However, this change occurs in the last nucleotide of Exon 12 (c.1399_1452) which makes it likely to have some effect on normal mRNA splicing. Based on insufficient or conflicting evidence, the clinical significance of this alteration remains unclear.

Literature cited by the submitters: PubMed 17576681 (cited by Labcorp Genetics (formerly Invitae), Labcorp); PubMed 9536098 (cited by Labcorp Genetics (formerly Invitae), Labcorp).